The following is an entry in ClinVar:

ClinVar aggregate classification (germline): Likely benign. Review status: criteria provided, multiple submitters, no conflicts (2 of 4 stars). 4 submissions from 4 submitters: Likely benign (3). 1 of the submissions does not count toward it. Last evaluated 2026-05-12.

Conditions:
RREB1-related disorder. Also called: RREB1-related condition.

Allele frequency attached by ClinVar (database versions not stated): ESP Exome Variant Server 0.00141; gnomAD 0.00188 and 0.00174; 1000 Genomes Project 0.00240; 1000 Genomes Project 30x 0.00234; TOPMed 0.00190.
gnomAD v4.1: 487 of 1,610,080 alleles (0.03%); highest among the groups gnomAD compares: African/African-American, 0.58%; no homozygotes.

Submissions (4):

Women's Health and Genetics/Laboratory Corporation of America, LabCorp
Classification: Likely benign. Last evaluated: 2026-05-12. Review status: criteria provided, single submitter. Criteria: LabCorp Variant Classification Summary - May 2015. Collection method: clinical testing. Allele origin: germline.

Labcorp Genetics (formerly Invitae), Labcorp
Classification: Likely benign. Last evaluated: 2019-12-31. Review status: criteria provided, single submitter. Criteria: Invitae Variant Classification Sherloc (09022015). Collection method: clinical testing. Allele origin: germline.

Breakthrough Genomics
Classification: Likely benign. Review status: criteria provided, single submitter. Criteria: ACMG Guidelines, 2015. Collection method: not provided. Allele origin: germline. Inheritance: Unknown mechanism. Affected: yes.

PreventionGenetics, part of Exact Sciences
Classification: Likely benign for RREB1-related condition. Last evaluated: 2019-06-05. Review status: no assertion criteria provided. Collection method: clinical testing. Allele origin: germline. Not counted in ClinVar's aggregate classification.
Comment: This variant is classified as likely benign based on ACMG/AMP sequence variant interpretation guidelines (Richards et al. 2015 PMID: 25741868, with internal and published modifications).

NM_001003699.4(RREB1):c.3404G>T (p.Ser1135Ile)

Gene: RREB1 (ras responsive element binding protein 1; plus strand). Cytogenetic location: 6p24.3.
Variant type: single nucleotide variant.
Coding change: c.3404G>T on transcript NM_001003699.4 (MANE Select); coding-DNA position 3404, G replaced by T.
Protein change: p.Ser1135Ile; replaces serine 1135 with isoleucine.
Molecular consequence: missense variant.
Genome position (GRCh38, 1-based): chr6:7,231,503, G>T. VCF-style: chr6-7231503-G-T. GRCh37 (hg19) VCF-style: chr6-7231736-G-T.
Other names: c.3404G>T, p.Ser1135Ile (NM_001003698.4, NM_001003700.2, NM_001168344.2); short protein forms S1135I.
Identifiers: ClinVar variation 716864 (VCV000716864.8), dbSNP rs116295722, ClinGen allele CA3626167.